The following is an entry in ClinVar:

ClinVar aggregate classification (germline): Likely pathogenic (1 of 4 stars; one submission).

Conditions:
Neuromuscular disease caused by qualitative or quantitative defects of dysferlin. Also called: Qualitative or quantitative defects of dysferlin; Dysferlinopathy. Identifiers: Orphanet 207073, MedGen C2931687, MONDO:0016145.

gnomAD v4.1: 1 of 1,614,158 alleles (0.000062%); highest among the groups gnomAD compares: Admixed American, 0.0017%; no homozygotes.

Submission:

Labcorp Genetics (formerly Invitae), Labcorp
Classification: Likely pathogenic for Neuromuscular disease caused by qualitative or quantitative defects of dysferlin. Last evaluated: 2022-04-08. Review status: criteria provided, single submitter. Criteria: Invitae Variant Classification Sherloc (09022015). Collection method: clinical testing. Allele origin: germline.
Comment: This sequence change affects a donor splice site in intron 32 of the DYSF gene. It is expected to disrupt RNA splicing. Variants that disrupt the donor or acceptor splice site typically lead to a loss of protein function (PMID: 16199547), and loss-of-function variants in DYSF are known to be pathogenic (PMID: 17698709, 20301480). This variant is not present in population databases (gnomAD no frequency). In summary, the currently available evidence indicates that the variant is pathogenic, but additional data are needed to prove that conclusively. Therefore, this variant has been classified as Likely Pathogenic. Algorithms developed to predict the effect of sequence changes on RNA splicing suggest that this variant may disrupt the consensus splice site. ClinVar contains an entry for this variant (Variation ID: 1066390). This variant has not been reported in the literature in individuals affected with DYSF-related conditions.

Literature cited by the submitters: PubMed 16199547; PubMed 17698709; PubMed 20301480.

NM_001130987.2(DYSF):c.3574+1G>A

Gene: DYSF (dysferlin; plus strand). Cytogenetic location: 2p13.2.
Variant type: single nucleotide variant.
Coding change: c.3574+1G>A on transcript NM_001130987.2 (MANE Select); the canonical splice donor site of the intron after coding-DNA position 3574, G replaced by A.
Molecular consequence: splice donor variant.
Genome position (GRCh38, 1-based): chr2:71,590,289, G>A. VCF-style: chr2-71590289-G-A. GRCh37 (hg19) VCF-style: chr2-71817419-G-A.
Other names: c.3613+1G>A (NM_001130979.2); c.3571+1G>A (NM_001130981.2, NM_001130980.2); c.3520+1G>A (NM_001130978.2, NM_003494.4); c.3478+1G>A (NM_001130977.2, NM_001130976.2); c.3616+1G>A (NM_001130982.2); c.3574+1G>A (NM_001130985.2); c.3523+1G>A (NM_001130983.2, NM_001130455.2); c.3481+1G>A (NM_001130984.2, NM_001130986.2).
Identifiers: ClinVar variation 1066390 (VCV001066390.9), dbSNP rs2152843484, ClinGen allele CA347220889.